The following is an entry in ClinVar:

NM_001365276.2(TNXB):c.9637A>G (p.Arg3213Gly)

Gene: TNXB (tenascin XB; minus strand). Cytogenetic location: 6p21.33.
Variant type: single nucleotide variant.
Coding change: c.9637A>G on transcript NM_001365276.2 (MANE Select); coding-DNA position 9637, A replaced by G.
Protein change: p.Arg3213Gly; replaces arginine 3213 with glycine.
Molecular consequence: missense variant.
Genome position (GRCh38, 1-based): chr6:32,049,390, T>C on the plus strand (A>G on the coding strand, the complement: TNXB is on the minus strand). VCF-style: chr6-32049390-T-C. GRCh37 (hg19) VCF-style: chr6-32017167-T-C.
Other names: c.9631A>G, p.Arg3211Gly (NM_019105.8); short protein forms R3211G, R3213G.
Identifiers: ClinVar variation 209197 (VCV000209197.16), dbSNP rs377386505, ClinGen allele CA250397.

ClinVar aggregate classification (germline): Conflicting classifications of pathogenicity. Review status: criteria provided, conflicting classifications (1 of 4 stars). 7 submissions from 7 submitters: Uncertain significance (5); Likely benign (2). Last evaluated 2025-12-15.

Conditions:
Ehlers-Danlos syndrome (EDS). Identifiers: Orphanet 98249, MedGen C0013720, MONDO:0020066.
Ehlers-Danlos syndrome due to tenascin-X deficiency (EDSCLL1). Also called: EDS DUE TO TNX DEFICIENCY; EHLERS-DANLOS SYNDROME, CLASSIC-LIKE; Ehlers-Danlos syndrome, classic-like, 1; TNXB-Related Classical-Like Ehlers-Danlos Syndrome; TNX DEFICIENCY. Identifiers: Orphanet 230839, MedGen C1848029, MONDO:0011670, OMIM 606408.
Cardiovascular phenotype. Identifiers: MedGen CN230736.
Vesicoureteral reflux 8 (VUR8). Identifiers: Orphanet 289365, MedGen C4014831, MONDO:0014422, OMIM 615963.

Allele frequency attached by ClinVar (database versions not stated): gnomAD exomes 0.00002 and 0.00008; ExAC 0.00010; gnomAD 0.00011 and 0.00013; TOPMed 0.00011; ESP Exome Variant Server 0.00039.
gnomAD v4.1: 90 of 1,612,476 alleles (0.0056%); highest among the groups gnomAD compares: East Asian, 0.029%; no homozygotes.

Submissions (7):

Women's Health and Genetics/Laboratory Corporation of America, LabCorp
Classification: Uncertain significance. Last evaluated: 2025-12-15. Review status: criteria provided, single submitter. Criteria: LabCorp Variant Classification Summary - May 2015. Collection method: clinical testing. Allele origin: germline.
Comment: Variant summary: TNXB c.9631A>G (p.Arg3211Gly) results in a non-conservative amino acid change in the encoded protein sequence. Algorithms developed to predict the effect of missense changes on protein structure and function are either unavailable or do not agree on the potential impact of this missense change. The variant allele was found at a frequency of 7.7e-05 in 247112 control chromosomes. This frequency is not significantly higher than estimated for disease-causing variants in TNXB, allowing no conclusion about variant significance. To our knowledge, no occurrence of c.9631A>G in individuals affected with TNXB-related conditions and no experimental evidence demonstrating its impact on protein function have been reported. ClinVar contains an entry for this variant (Variation ID: 209197). Based on the evidence outlined above, the variant was classified as uncertain significance.

GeneDx
Classification: Uncertain significance. Last evaluated: 2025-06-25. Review status: criteria provided, single submitter. Criteria: GeneDx Variant Classification Process June 2021. Collection method: clinical testing. Allele origin: germline. Affected: yes.
Comment: Has not been previously published as pathogenic or benign to our knowledge; In silico analysis suggests that this missense variant does not alter protein structure/function; This variant is associated with the following publications: (PMID: 26633545)

Ambry Genetics
Classification: Likely benign for Cardiovascular phenotype. Last evaluated: 2023-06-02. Review status: criteria provided, single submitter. Criteria: Ambry Variant Classification Scheme 2023. Collection method: clinical testing. Allele origin: germline.

Johns Hopkins Genomics, Johns Hopkins University
Classification: Likely benign for Vesicoureteral reflux 8. Last evaluated: 2022-02-28. Review status: criteria provided, single submitter. Criteria: ACMG Guidelines, 2015. Collection method: clinical testing. Allele origin: germline.

Revvity Omics, Revvity
Classification: Uncertain significance for Vesicoureteral reflux 8. Last evaluated: 2021-01-05. Review status: criteria provided, single submitter. Criteria: ACMG Guidelines, 2015. Collection method: clinical testing. Allele origin: germline.

Genome Diagnostics Laboratory, The Hospital for Sick Children
Classification: Uncertain significance for Ehlers-Danlos syndrome. Last evaluated: 2018-09-01. Review status: criteria provided, single submitter. Criteria: ACMG Guidelines, 2015. Collection method: clinical testing. Allele origin: germline.

Baylor Genetics
Classification: Uncertain significance for Ehlers-Danlos-like syndrome due to tenascin-X deficiency. Last evaluated: 2013-03-08. Review status: criteria provided, single submitter. Criteria: Yang et al. 2013. Collection method: clinical testing. Allele origin: germline. Inheritance: Autosomal recessive inheritance. Observed: 4 variant alleles, 2 heterozygotes, 2 compound heterozygotes. Study: Adult_WES.

Literature cited by the submitters: PubMed 26633545 (cited by Baylor Genetics).